The following is an entry in ClinVar:

ClinVar aggregate classification (germline): Benign/Likely benign. Review status: criteria provided, multiple submitters, no conflicts (2 of 4 stars). 3 submissions from 3 submitters: Benign (1); Likely benign (2). Last evaluated 2025-05-14.

Conditions:
Tuberous sclerosis 2 (TSC2). Identifiers: Orphanet 805, MedGen C1860707, MONDO:0013199, OMIM 613254.
Hereditary cancer-predisposing syndrome. Also called: Hereditary neoplastic syndrome; Tumor predisposition; Neoplastic Syndromes, Hereditary; Hereditary Cancer Syndrome. Identifiers: Orphanet 140162, MedGen C0027672, MeSH D009386, MONDO:0015356.

Submissions (3):

Myriad Genetics, Inc.
Classification: Benign for Tuberous sclerosis 2. Last evaluated: 2025-05-14. Review status: criteria provided, single submitter. Criteria: Myriad Autosomal Dominant, Autosomal Recessive and X-Linked Classification Criteria (2023). Collection method: clinical testing. Allele origin: unknown.
Comment: This variant is considered benign. This variant is a silent/synonymous amino acid change and it is not expected to impact splicing.

Labcorp Genetics (formerly Invitae), Labcorp
Classification: Likely benign for Tuberous sclerosis 2. Last evaluated: 2025-03-19. Review status: criteria provided, single submitter. Criteria: Invitae Variant Classification Sherloc (09022015). Collection method: clinical testing. Allele origin: germline.

Ambry Genetics
Classification: Likely benign for Hereditary cancer-predisposing syndrome. Last evaluated: 2024-04-11. Review status: criteria provided, single submitter. Criteria: Ambry Variant Classification Scheme 2023. Collection method: clinical testing. Allele origin: germline.

NM_000548.5(TSC2):c.1548A>G (p.Ala516=)

Gene: TSC2 (TSC complex subunit 2; plus strand). Cytogenetic location: 16p13.3.
Variant type: single nucleotide variant.
Coding change: c.1548A>G on transcript NM_000548.5 (MANE Select); coding-DNA position 1548, A replaced by G.
Protein change: p.Ala516=; no amino-acid change (alanine 516 retained).
Molecular consequence: synonymous variant.
Genome position (GRCh38, 1-based): chr16:2,064,376, A>G. VCF-style: chr16-2064376-A-G. GRCh37 (hg19) VCF-style: chr16-2114377-A-G.
Other names: c.1548A>G (NM_000548.3); c.1548A>G, p.Ala516= (NM_001077183.3, NM_001114382.3, NM_001363528.2 and 3 more transcripts); c.1437A>G, p.Ala479= (NM_001318827.2); c.1401A>G, p.Ala467= (NM_001318829.2); c.948A>G, p.Ala316= (NM_001318831.2); c.1581A>G, p.Ala527= (NM_001318832.2).
Identifiers: ClinVar variation 1108022 (VCV001108022.11), dbSNP rs2151190793, ClinGen allele CA492963035.